The following is an entry in ClinVar:

NM_003200.5(TCF3):c.1923C>G (p.His641Gln)

Gene: TCF3 (transcription factor 3; minus strand). Cytogenetic location: 19p13.3.
Variant type: single nucleotide variant.
Coding change: c.1923C>G on transcript NM_003200.5 (MANE Select); coding-DNA position 1923, C replaced by G.
Protein change: p.His641Gln; replaces histidine 641 with glutamine.
Molecular consequence: missense variant.
Genome position (GRCh38, 1-based): chr19:1,611,749, G>C on the plus strand (C>G on the coding strand, the complement: TCF3 is on the minus strand). VCF-style: chr19-1611749-G-C. GRCh37 (hg19) VCF-style: chr19-1611748-G-C.
Other names: c.1914C>G, p.His638Gln (NM_001136139.4, NM_001351779.2); c.1920C>G, p.His640Gln (NM_001351778.2); short protein forms H640Q, H641Q, H638Q.
Identifiers: ClinVar variation 4745481 (VCV004745481.1).

ClinVar aggregate classification (germline): Uncertain significance (1 of 4 stars; one submission).

Submission:

Labcorp Genetics (formerly Invitae), Labcorp
Classification: Uncertain significance. Last evaluated: 2025-09-15. Review status: criteria provided, single submitter. Criteria: Invitae Variant Classification Sherloc (09022015). Collection method: clinical testing. Allele origin: germline.
Comment: This sequence change replaces histidine, which is basic and polar, with glutamine, which is neutral and polar, at codon 641 of the TCF3 protein (p.His641Gln). This variant is not present in population databases (gnomAD no frequency). This variant has not been reported in the literature in individuals affected with TCF3-related conditions. Invitae Evidence Modeling of protein sequence and biophysical properties (such as structural, functional, and spatial information, amino acid conservation, physicochemical variation, residue mobility, and thermodynamic stability) indicates that this missense variant is not expected to disrupt TCF3 protein function with a negative predictive value of 80%. In summary, the available evidence is currently insufficient to determine the role of this variant in disease. Therefore, it has been classified as a Variant of Uncertain Significance.